The following is an entry in ClinVar:

ClinVar aggregate classification (germline): Benign (1 of 4 stars; one submission).

Submission:

Biesecker Lab/Clinical Genomics Section, National Institutes of Health
Classification: Benign. Last evaluated: 2013-06-24. Review status: criteria provided, single submitter. Criteria: Ng et al. (Circ Cardiovasc Genet. 2013). Collection method: research. Allele origin: unknown. Observed: 1 variant allele. Study: ClinSeq.
Comment: The study set was not selected for affection status in relation to any cancer. Pathogenicity categories were based on literature curation. See Pubmed ID:23861362 for details.

Medical sequencing

NM_001267550.2(TTN):c.91936A>G (p.Asn30646Asp)

Genes: TTN (titin; minus strand), TTN-AS1 (TTN antisense RNA 1; plus strand). Cytogenetic location: 2q31.2.
Variant type: single nucleotide variant.
Coding change: c.91936A>G on transcript NM_001267550.2 (MANE Select); coding-DNA position 91936, A replaced by G.
Protein change: p.Asn30646Asp; replaces asparagine 30646 with aspartic acid.
Molecular consequence: missense variant.
Genome position (GRCh38, 1-based): chr2:178,549,786, T>C on the plus strand (A>G on the coding strand, the complement: TTN is on the minus strand). VCF-style: chr2-178549786-T-C. GRCh37 (hg19) VCF-style: chr2-179414513-T-C.
Other names: c.87013A>G, p.Asn29005Asp (NM_001256850.1); c.64741A>G, p.Asn21581Asp (NM_003319.4); c.84232A>G, p.Asn28078Asp (NM_133378.4); c.65116A>G, p.Asn21706Asp (NM_133432.3); c.65317A>G, p.Asn21773Asp (NM_133437.4); short protein forms N28078D, N30646D, N21706D, N21581D, N21773D, N29005D.
Identifiers: ClinVar variation 192200 (VCV000192200.1), dbSNP rs786205328, ClinGen allele CA200064.
Genomic context (GRCh38, chr2:178,549,786, plus strand): 5'-CAAGTCTGCTGGTTTCCCGTTTTTCAATGATGTAGTGGGTTATGGGAGCACAACCGTCAT[T>C]GAGTGGGGCATCCCACCACAGAGTCATCTTCTCCCCAGTAATATTGGTGAATCTTATTGG-3'
Protein context (NP_001254479.2, residues 30636-30656): KMTLWWDAPL[Asn30646Asp]DGCAPITHYI